The following is an entry in ClinVar:

NM_004304.5(ALK):c.858G>C (p.Gln286His)

Gene: ALK (ALK receptor tyrosine kinase; minus strand). Cytogenetic location: 2p23.2.
Variant type: single nucleotide variant.
Coding change: c.858G>C on transcript NM_004304.5 (MANE Select); coding-DNA position 858, G replaced by C.
Protein change: p.Gln286His; replaces glutamine 286 with histidine.
Molecular consequence: missense variant.
Genome position (GRCh38, 1-based): chr2:29,694,944, C>G on the plus strand (G>C on the coding strand, the complement: ALK is on the minus strand). VCF-style: chr2-29694944-C-G. GRCh37 (hg19) VCF-style: chr2-29917810-C-G.
Other names: short protein forms Q286H.
Identifiers: ClinVar variation 2503132 (VCV002503132.1), dbSNP rs2148289872, ClinGen allele CA346586996.

ClinVar aggregate classification (germline): Uncertain significance (1 of 4 stars; one submission).

Submission:

GeneDx
Classification: Uncertain significance. Last evaluated: 2022-11-29. Review status: criteria provided, single submitter. Criteria: GeneDx Variant Classification Process June 2021. Collection method: clinical testing. Allele origin: germline. Affected: yes.
Comment: Not observed at significant frequency in large population cohorts (gnomAD); In silico analysis supports that this missense variant does not alter protein structure/function; Has not been previously published as pathogenic or benign to our knowledge